The following is an entry in ClinVar:

NM_001267550.2(TTN):c.69568A>G (p.Ile23190Val)

Genes: TTN-AS1 (TTN antisense RNA 1; plus strand), TTN (titin; minus strand), LOC126806422 (BRD4-independent group 4 enhancer GRCh37_chr2:179440205-179441404; plus strand). Cytogenetic location: 2q31.2.
Variant type: single nucleotide variant.
Coding change: c.69568A>G on transcript NM_001267550.2 (MANE Select); coding-DNA position 69568, A replaced by G.
Protein change: p.Ile23190Val; replaces isoleucine 23190 with valine.
Molecular consequence: missense variant.
Genome position (GRCh38, 1-based): chr2:178,576,676, T>C on the plus strand (A>G on the coding strand, the complement: TTN is on the minus strand). VCF-style: chr2-178576676-T-C. GRCh37 (hg19) VCF-style: chr2-179441403-T-C.
Other names: c.64645A>G, p.Ile21549Val (NM_001256850.1); c.42373A>G, p.Ile14125Val (NM_003319.4); c.61864A>G, p.Ile20622Val (NM_133378.4); c.42748A>G, p.Ile14250Val (NM_133432.3); c.42949A>G, p.Ile14317Val (NM_133437.4); short protein forms I20622V, I23190V, I14125V, I14317V, I14250V, I21549V.
Identifiers: ClinVar variation 595927 (VCV000595927.9), dbSNP rs762698812, ClinGen allele CA61004042.
Genomic context (GRCh38, chr2:178,576,676, plus strand): 5'-AGGTGCTTCCTTCTTGCAGTCCTGTTACTTTGCACCTGAGATCGGAAACTGGTGTTTTTA[T>C]TGCTCTCACCCATCGCAGGCTTTTCTTTTCTCTCCTTTCTACATGATATCCTGTAATTTC-3'
Protein context (NP_001254479.2, residues 23180-23200): EKKSLRWVRA[Ile23190Val]KTPVSDLRCK

ClinVar aggregate classification (germline): Uncertain significance. Review status: criteria provided, multiple submitters, no conflicts (2 of 4 stars). 3 submissions from 3 submitters: Uncertain significance (3). Last evaluated 2026-04-13.

Allele frequency attached by ClinVar (database versions not stated): gnomAD exomes below 0.00001; TOPMed below 0.00001.
gnomAD v4.1: 2 of 1,613,572 alleles (0.00012%); highest among the groups gnomAD compares: Non-Finnish European, 0.000085%; no homozygotes.

Submissions (3):

Women's Health and Genetics/Laboratory Corporation of America, LabCorp
Classification: Uncertain significance. Last evaluated: 2026-04-13. Review status: criteria provided, single submitter. Criteria: LabCorp Variant Classification Summary - May 2015. Collection method: clinical testing. Allele origin: germline.
Comment: Variant summary: TTN c.61864A>G (p.Ile20622Val) results in a conservative amino acid change in the encoded protein sequence. Algorithms developed to predict the effect of missense changes on protein structure and function all suggest that this variant is likely to be tolerated. The frequency data for this variant in gnomAD is considered unreliable, as metrics indicate poor data quality at this position. To our knowledge, no occurrence of c.61864A>G in individuals affected with TTN-related conditions and no experimental evidence demonstrating its impact on protein function have been reported. ClinVar contains an entry for this variant (Variation ID: 595927). Based on the evidence outlined above, the variant was classified as uncertain significance.

Revvity Omics, Revvity
Classification: Uncertain significance. Last evaluated: 2022-05-04. Review status: criteria provided, single submitter. Criteria: ACMG Guidelines, 2015. Collection method: clinical testing. Allele origin: germline.

Eurofins Ntd Llc (ga)
Classification: Uncertain significance. Last evaluated: 2018-02-01. Review status: criteria provided, single submitter. Criteria: EGL Classification Definitions 2015. Collection method: clinical testing. Allele origin: germline. Observed: 1 variant allele, 1 heterozygote.